The following is an entry in ClinVar:

NM_004304.5(ALK):c.4396C>T (p.Pro1466Ser)

Gene: ALK (ALK receptor tyrosine kinase; minus strand). Cytogenetic location: 2p23.2.
Variant type: single nucleotide variant.
Coding change: c.4396C>T on transcript NM_004304.5 (MANE Select); coding-DNA position 4396, C replaced by T.
Protein change: p.Pro1466Ser; replaces proline 1466 with serine.
Molecular consequence: missense variant.
Genome position (GRCh38, 1-based): chr2:29,193,691, G>A on the plus strand (C>T on the coding strand, the complement: ALK is on the minus strand). VCF-style: chr2-29193691-G-A. GRCh37 (hg19) VCF-style: chr2-29416557-G-A.
Other names: c.1192C>T, p.Pro398Ser (NM_001353765.2); short protein forms P1466S, P398S.
Identifiers: ClinVar variation 848784 (VCV000848784.10), dbSNP rs1668945318, ClinGen allele CA346462236.
Genomic context (GRCh38, chr2:29,193,691, plus strand): 5'-GAGGGTTGGACTGAGAGAATGCCATATTCACGTGTCCCCCTTCCACGGCCGGCCCTCTAG[G>A]GACTCGAACAGAGATCTCTGCAGCTGTGGGTTTCTTTGCAGCCTTGCCAGAGGAGGTGGT-3'
Protein context (NP_004295.2, residues 1456-1476): PTAAEISVRV[Pro1466Ser]RGPAVEGGHV

ClinVar aggregate classification (germline): Uncertain significance. Review status: criteria provided, multiple submitters, no conflicts (2 of 4 stars). 2 submissions from 2 submitters: Uncertain significance (2). Last evaluated 2025-04-23.

Conditions:
Neuroblastoma, susceptibility to, 3. Also called: ALK-Related Neuroblastic Tumor Susceptibility. Identifiers: Orphanet 635, MedGen C2751681, MONDO:0013083, OMIM 613014.
Hereditary cancer-predisposing syndrome. Also called: Neoplastic Syndromes, Hereditary; Hereditary Cancer Syndrome; Hereditary neoplastic syndrome; Tumor predisposition. Identifiers: Orphanet 140162, MedGen C0027672, MeSH D009386, MONDO:0015356.

Allele frequency attached by ClinVar (database versions not stated): gnomAD exomes below 0.00001.
gnomAD v4.1: 2 of 1,613,384 alleles (0.00012%); highest among the groups gnomAD compares: Non-Finnish European, 0.00017%; no homozygotes.

Submissions (2):

Labcorp Genetics (formerly Invitae), Labcorp
Classification: Uncertain significance for Neuroblastoma, susceptibility to, 3. Last evaluated: 2025-04-23. Review status: criteria provided, single submitter. Criteria: Invitae Variant Classification Sherloc (09022015). Collection method: clinical testing. Allele origin: germline.
Comment: This sequence change replaces proline, which is neutral and non-polar, with serine, which is neutral and polar, at codon 1466 of the ALK protein (p.Pro1466Ser). This variant is not present in population databases (gnomAD no frequency). This variant has not been reported in the literature in individuals affected with ALK-related conditions. ClinVar contains an entry for this variant (Variation ID: 848784). An algorithm developed to predict the effect of missense changes on protein structure and function (PolyPhen-2) suggests that this variant is likely to be tolerated. In summary, the available evidence is currently insufficient to determine the role of this variant in disease. Therefore, it has been classified as a Variant of Uncertain Significance.

Ambry Genetics
Classification: Uncertain significance for Hereditary cancer-predisposing syndrome. Last evaluated: 2024-10-29. Review status: criteria provided, single submitter. Criteria: Ambry Variant Classification Scheme 2023. Collection method: clinical testing. Allele origin: germline.
Comment: The p.P1466S variant (also known as c.4396C>T), located in coding exon 29 of the ALK gene, results from a C to T substitution at nucleotide position 4396. The proline at codon 1466 is replaced by serine, an amino acid with similar properties. This amino acid position is conserved. In addition, this alteration is predicted to be tolerated by in silico analysis. Based on the available evidence, the clinical significance of this variant remains unclear.